The following is an entry in ClinVar:

NM_003000.3(SDHB):c.25T>G (p.Leu9Val)

Gene: SDHB (succinate dehydrogenase complex iron sulfur subunit B; minus strand). Cytogenetic location: 1p36.13.
Variant type: single nucleotide variant.
Coding change: c.25T>G on transcript NM_003000.3 (MANE Select); coding-DNA position 25, T replaced by G.
Protein change: p.Leu9Val; replaces leucine 9 with valine.
Molecular consequence: missense variant.
Genome position (GRCh38, 1-based): chr1:17,053,995, A>C on the plus strand (T>G on the coding strand, the complement: SDHB is on the minus strand). VCF-style: chr1-17053995-A-C. GRCh37 (hg19) VCF-style: chr1-17380490-A-C.
Other names: short protein forms L9V.
Identifiers: ClinVar variation 412494 (VCV000412494.7), dbSNP rs1060503768, ClinGen allele CA16609943.

ClinVar aggregate classification (germline): Uncertain significance. Review status: criteria provided, multiple submitters, no conflicts (2 of 4 stars). 2 submissions from 2 submitters: Uncertain significance (2). Last evaluated 2023-05-19.

Conditions:
Hereditary cancer-predisposing syndrome. Also called: Neoplastic Syndromes, Hereditary; Hereditary Cancer Syndrome; Hereditary neoplastic syndrome; Tumor predisposition. Identifiers: Orphanet 140162, MedGen C0027672, MeSH D009386, MONDO:0015356.
Pheochromocytoma/paraganglioma syndrome 4. Also called: PARAGANGLIOMA, FAMILIAL MALIGNANT; PARAGANGLIOMAS, HEREDITARY EXTRAADRENAL; PHEOCHROMOCYTOMA, FAMILIAL EXTRAADRENAL; Paragangliomas 4; CAROTID BODY TUMORS AND MULTIPLE EXTRAADRENAL PHEOCHROMOCYTOMAS; SDHB-Related Hereditary Paraganglioma-Pheochromocytoma Syndrome (Paragangliomas 4). Identifiers: Orphanet 29072, MedGen C1861848, MONDO:0007273, OMIM 115310.
Gastrointestinal stromal tumor. Also called: Gastrointestinal stroma tumor; Gastrointestinal stromal tumor, somatic. Identifiers: Orphanet 44890, MedGen C0238198, MeSH D046152, MONDO:0011719, OMIM 606764, HP:0100723.
Pheochromocytoma. Also called: MAX-Related Hereditary Paraganglioma-Pheochromocytoma Syndrome. Identifiers: Orphanet 29072, MedGen C0031511, MONDO:0008233, OMIM 171300, HP:0002666.

Submissions (2):

Ambry Genetics
Classification: Uncertain significance for Hereditary cancer-predisposing syndrome. Last evaluated: 2023-05-19. Review status: criteria provided, single submitter. Criteria: Ambry Variant Classification Scheme 2023. Collection method: clinical testing. Allele origin: germline.
Comment: The p.L9V variant (also known as c.25T>G), located in coding exon 1 of the SDHB gene, results from a T to G substitution at nucleotide position 25. The leucine at codon 9 is replaced by valine, an amino acid with highly similar properties. This amino acid position is conserved. In addition, the in silico prediction for this alteration is inconclusive. Since supporting evidence is limited at this time, the clinical significance of this alteration remains unclear.

Labcorp Genetics (formerly Invitae), Labcorp
Classification: Uncertain significance for Gastrointestinal stromal tumor; Pheochromocytoma/paraganglioma syndrome 4; Pheochromocytoma. Last evaluated: 2016-11-06. Review status: criteria provided, single submitter. Criteria: Invitae Variant Classification Sherloc (09022015). Collection method: clinical testing. Allele origin: germline.
Comment: Algorithms developed to predict the effect of missense changes on protein structure and function do not agree on the potential impact of this missense change (SIFT: "Deleterious"; PolyPhen-2: "Benign"; Align-GVGD: "Class C0"). This variant is not present in population databases (ExAC no frequency) and has not been reported in the literature in individuals with a SDHB-related disease. This sequence change replaces leucine with valine at codon 9 of the SDHB protein (p.Leu9Val). The leucine residue is highly conserved and there is a small physicochemical difference between leucine and valine. Algorithms developed to predict the effect of sequence changes on RNA splicing suggest that this variant may alter RNA splicing, but this prediction has not been confirmed by published transcriptional studies. In summary, this variant is a novel missense change with uncertain impact on mRNA splicing and protein function. It has been classified as a Variant of Uncertain Significance.